The following is an entry in ClinVar:

NM_020959.3(ANO8):c.748G>T (p.Ala250Ser)

Gene: ANO8 (anoctamin 8; minus strand). Cytogenetic location: 19p13.11.
Variant type: single nucleotide variant.
Coding change: c.748G>T on transcript NM_020959.3 (MANE Select); coding-DNA position 748, G replaced by T.
Protein change: p.Ala250Ser; replaces alanine 250 with serine.
Molecular consequence: missense variant.
Genome position (GRCh38, 1-based): chr19:17,331,171, C>A on the plus strand (G>T on the coding strand, the complement: ANO8 is on the minus strand). VCF-style: chr19-17331171-C-A. GRCh37 (hg19) VCF-style: chr19-17441980-C-A.
Other names: short protein forms A250S.
Identifiers: ClinVar variation 5002263 (VCV005002263.1).
Genomic context (GRCh38, chr19:17,331,171, plus strand): 5'-ACAGGACAGACCCGAAGACAGCTGGGTATACCATAGCCGACGTGTAGAAGCCCAGCCAGG[C>A]GAAGTACATGGCAATTTTCACACCAAAGTAATCACAGATGTCATCTGCCAGGGGACAAGT-3'
Protein context (NP_066010.1, residues 240-260): YFGVKIAMYF[Ala250Ser]WLGFYTSAMV

ClinVar aggregate classification (germline): Uncertain significance (1 of 4 stars; one submission).

Conditions:
ANO8-related disorder. Also called: ANO8-related condition.

Submission:

PreventionGenetics, part of Exact Sciences
Classification: Uncertain significance for ANO8-related condition. Last evaluated: 2025-03-12. Review status: criteria provided, single submitter. Criteria: ACMG Guidelines, 2015. Collection method: clinical testing. Allele origin: germline.
Comment: The ANO8 c.748G>T variant is predicted to result in the amino acid substitution p.Ala250Ser. To our knowledge, this variant has not been reported in the literature or in a large population database (gnomAD), indicating this variant is rare. At this time, the clinical significance of this variant is uncertain due to the absence of conclusive functional and genetic evidence.